The following is an entry in ClinVar:

NM_000454.5(SOD1):c.180T>C (p.Ser60=)

Gene: SOD1 (superoxide dismutase 1; plus strand). Cytogenetic location: 21q22.11.
Variant type: single nucleotide variant.
Coding change: c.180T>C on transcript NM_000454.5 (MANE Select); coding-DNA position 180, T replaced by C.
Protein change: p.Ser60=; no amino-acid change (serine 60 retained).
Molecular consequence: synonymous variant.
Genome position (GRCh38, 1-based): chr21:31,666,459, T>C. VCF-style: chr21-31666459-T-C. GRCh37 (hg19) VCF-style: chr21-33038772-T-C.
Identifiers: ClinVar variation 720157 (VCV000720157.46), dbSNP rs373888553, ClinGen allele CA9998918.

ClinVar aggregate classification (germline): Likely benign. Review status: criteria provided, multiple submitters, no conflicts (2 of 4 stars). 4 submissions from 4 submitters: Likely benign (4). Last evaluated 2025-07-01.

Conditions:
Inborn genetic diseases. Identifiers: MedGen C0950123, MeSH D030342.
SOD1-related disorder. Also called: SOD1-related condition.
Amyotrophic lateral sclerosis type 1 (ALS1). Also called: AMYOTROPHIC LATERAL SCLEROSIS 1, FAMILIAL. Identifiers: Orphanet 803, MedGen C1862939, MONDO:0007103, OMIM 105400.

Allele frequency attached by ClinVar (database versions not stated): gnomAD 0.00004; TOPMed 0.00004; gnomAD exomes 0.00011 and 0.00013; ExAC 0.00013; ESP Exome Variant Server 0.00015.
gnomAD v4.1: 167 of 1,611,166 alleles (0.01%); highest among the groups gnomAD compares: South Asian, 0.03%; 1 homozygote.

Submissions (4):

Labcorp Genetics (formerly Invitae), Labcorp
Classification: Likely benign for Amyotrophic lateral sclerosis type 1. Last evaluated: 2025-07-01. Review status: criteria provided, single submitter. Criteria: Invitae Variant Classification Sherloc (09022015). Collection method: clinical testing. Allele origin: germline.

PreventionGenetics, part of Exact Sciences
Classification: Likely benign for SOD1-related condition. Last evaluated: 2025-04-04. Review status: criteria provided, single submitter. Criteria: ACMG Guidelines, 2015. Collection method: clinical testing. Allele origin: germline.
Comment: This variant is classified as likely benign based on ACMG/AMP sequence variant interpretation guidelines (Richards et al. 2015 PMID: 25741868, with internal and published modifications).

Ambry Genetics
Classification: Likely benign for Inborn genetic diseases. Last evaluated: 2023-01-08. Review status: criteria provided, single submitter. Criteria: Ambry Variant Classification Scheme 2023. Collection method: clinical testing. Allele origin: germline.

CeGaT Center for Human Genetics Tuebingen
Classification: Likely benign. Last evaluated: 2022-08-01. Review status: criteria provided, single submitter. Criteria: CeGaT Center For Human Genetics Tuebingen Variant Classification Criteria Version 2. Collection method: clinical testing. Allele origin: germline. Affected: yes. Observed: 2 variant alleles.
Comment: SOD1: BP4, BS2